The following is an entry in ClinVar:

NM_001394998.1(TANC2):c.3567C>T (p.Thr1189=)

Genes: TANC2 (tetratricopeptide repeat, ankyrin repeat and coiled-coil containing 2; plus strand), LOC105371856 (uncharacterized LOC105371856; minus strand). Cytogenetic location: 17q23.3.
Variant type: single nucleotide variant.
Coding change: c.3567C>T on transcript NM_001394998.1 (MANE Select); coding-DNA position 3567, C replaced by T.
Protein change: p.Thr1189=; no amino-acid change (threonine 1189 retained).
Molecular consequence: synonymous variant.
Genome position (GRCh38, 1-based): chr17:63,406,255, C>T. VCF-style: chr17-63406255-C-T. GRCh37 (hg19) VCF-style: chr17-61483616-C-T.
Other names: c.3345C>T, p.Thr1115= (NM_001411076.1, NM_025185.4).
Identifiers: ClinVar variation 2648059 (VCV002648059.24), dbSNP rs372775570, ClinGen allele CA8698020.

ClinVar aggregate classification (germline): Likely benign (1 of 4 stars; one submission).

Allele frequency attached by ClinVar (database versions not stated): gnomAD 0.00001; ExAC 0.00002; TOPMed 0.00002; ESP Exome Variant Server 0.00008.
gnomAD v4.1: 8 of 1,613,728 alleles (0.0005%); highest among the groups gnomAD compares: Middle Eastern, 0.016%; no homozygotes.

Submission:

CeGaT Center for Human Genetics Tuebingen
Classification: Likely benign. Last evaluated: 2022-03-01. Review status: criteria provided, single submitter. Criteria: CeGaT Center For Human Genetics Tuebingen Variant Classification Criteria Version 2. Collection method: clinical testing. Allele origin: germline. Affected: yes. Observed: 1 variant allele.
Comment: TANC2: BP4, BP7